The following is an entry in ClinVar:

ClinVar aggregate classification (germline): Likely pathogenic (1 of 4 stars; one submission).

Conditions:
Glycine encephalopathy. Also called: Non-ketotic hyperglycinemia; Nonketotic hyperglycinemia. Identifiers: Orphanet 407, MedGen C0751748, MONDO:0011612, HP:0008288.

Submission:

Myriad Genetics, Inc.
Classification: Likely pathogenic for Glycine encephalopathy 1. Last evaluated: 2022-03-14. Review status: criteria provided, single submitter. Criteria: Myriad Women's Health Autosomal Recessive and X-Linked Classification Criteria (2021). Collection method: clinical testing. Allele origin: unknown.
Comment: NM_000170.2(GLDC):c.1825_1826delGA(D609Pfs*63) is expected to be pathogenic in the context of glycine encephalopathy, GLDC-related. This variant is predicted to lead to an abnormal or absent protein product due to the creation of a premature termination codon in GLDC, a gene where loss-of-function variants are known to be pathogenic. Please note: this variant was assessed in the context of healthy population screening.

NM_000170.3(GLDC):c.1825_1826del (p.Asp609fs)

Gene: GLDC (glycine decarboxylase; minus strand). Cytogenetic location: 9p24.1.
Variant type: Deletion.
Coding change: c.1825_1826del on transcript NM_000170.3 (MANE Select); coding-DNA positions 1825 to 1826, 2 bases deleted (GA; older notation c.1825_1826delGA).
Protein change: p.Asp609fs; shifts the reading frame from aspartic acid 609.
Molecular consequence: frameshift variant.
Genome position (GRCh38, 1-based): chr9:6,587,165-6,587,166, TC deleted on the plus strand (GA on the coding strand, the reverse complement: GLDC is on the minus strand). VCF-style (leftmost placement, unchanged base first): chr9-6587164-GTC-G. GRCh37 (hg19) VCF-style: chr9-6587164-GTC-G.
Other names: short protein forms D609fs.
Identifiers: ClinVar variation 1725197 (VCV001725197.2), dbSNP rs2489076677, ClinGen allele CA2580080216.